The following is an entry in ClinVar:

ClinVar aggregate classification (germline): Likely pathogenic. Review status: criteria provided, single submitter (1 of 4 stars). 2 submissions from 2 submitters: Likely pathogenic (1). 1 of the submissions does not count toward it. Last evaluated 2022-09-12.

Conditions:
Usher syndrome type 2A. Also called: RETINAL DISEASE IN USHER SYNDROME TYPE IIA, MODIFIER OF; USHER SYNDROME, TYPE IIA. Identifiers: Orphanet 231178, Orphanet 886, MedGen C1848634, MONDO:0010169, OMIM 276901.

gnomAD v4.1: 2 of 1,614,190 alleles (0.00012%); highest among the groups gnomAD compares: Admixed American, 0.0017%; no homozygotes.

Submissions (2):

Labcorp Genetics (formerly Invitae), Labcorp
Classification: Likely pathogenic. Last evaluated: 2022-09-12. Review status: criteria provided, single submitter. Criteria: Invitae Variant Classification Sherloc (09022015). Collection method: clinical testing. Allele origin: germline.
Comment: Advanced modeling of protein sequence and biophysical properties (such as structural, functional, and spatial information, amino acid conservation, physicochemical variation, residue mobility, and thermodynamic stability) has been performed at Invitae for this missense variant, however the output from this modeling did not meet the statistical confidence thresholds required to predict the impact of this variant on USH2A protein function. In summary, the currently available evidence indicates that the variant is pathogenic, but additional data are needed to prove that conclusively. Therefore, this variant has been classified as Likely Pathogenic. This variant disrupts the p.Thr4337 amino acid residue in USH2A. Other variant(s) that disrupt this residue have been determined to be pathogenic (PMID: 17085681, 24498627, 25324289, 25356976, 26654877, 26667666, 28944237, 29588463; Invitae). This suggests that this residue is clinically significant, and that variants that disrupt this residue are likely to be disease-causing. This missense change has been observed in individual(s) with clinical features of Usher syndrome (Invitae). This variant is present in population databases (no rsID available, gnomAD no frequency). This sequence change replaces threonine, which is neutral and polar, with arginine, which is basic and polar, at codon 4337 of the USH2A protein (p.Thr4337Arg).

Natera, Inc.
Classification: Uncertain significance for Usher syndrome type 2A. Last evaluated: 2025-05-20. Review status: no assertion criteria provided. Collection method: clinical testing. Allele origin: germline. Not counted in ClinVar's aggregate classification.

Literature cited by the submitters: PubMed 17085681 (cited by Labcorp Genetics (formerly Invitae), Labcorp); PubMed 24498627 (cited by Labcorp Genetics (formerly Invitae), Labcorp); PubMed 25324289 (cited by Labcorp Genetics (formerly Invitae), Labcorp); PubMed 25356976 (cited by Labcorp Genetics (formerly Invitae), Labcorp); PubMed 26654877 (cited by Labcorp Genetics (formerly Invitae), Labcorp); PubMed 26667666 (cited by Labcorp Genetics (formerly Invitae), Labcorp); PubMed 28944237 (cited by Labcorp Genetics (formerly Invitae), Labcorp); PubMed 29588463 (cited by Labcorp Genetics (formerly Invitae), Labcorp).

NM_206933.4(USH2A):c.13010C>G (p.Thr4337Arg)

Gene: USH2A (usherin; minus strand). Cytogenetic location: 1q41.
Variant type: single nucleotide variant.
Coding change: c.13010C>G on transcript NM_206933.4 (MANE Select); coding-DNA position 13010, C replaced by G.
Protein change: p.Thr4337Arg; replaces threonine 4337 with arginine.
Molecular consequence: missense variant.
Genome position (GRCh38, 1-based): chr1:215,674,901, G>C on the plus strand (C>G on the coding strand, the complement: USH2A is on the minus strand). VCF-style: chr1-215674901-G-C. GRCh37 (hg19) VCF-style: chr1-215848243-G-C.
Other names: c.13010C>G (NM_206933.2); short protein forms T4337R.
Identifiers: ClinVar variation 2001506 (VCV002001506.5), dbSNP rs527236137, ClinGen allele CA344847848.